The following is an entry in ClinVar:

ClinVar aggregate classification (germline): Uncertain significance (1 of 4 stars; one submission).

Conditions:
Neuropathy, hereditary sensory, type 2C. Also called: KIF1A-Related HSAN2 (HSAN2C); Hereditary sensory and autonomic neuropathy type IIC. Identifiers: Orphanet 970, MedGen C3280168, MONDO:0013634, OMIM 614213.
Hereditary spastic paraplegia 30. Identifiers: Orphanet 101010, MedGen C5235139, MONDO:0012476.
Intellectual disability, autosomal dominant 9 (NESCAVS). Also called: KIF1A-Related Neurodevelopmental Disorder; NESCAV SYNDROME. Identifiers: Orphanet 662367, MedGen C5393830, MONDO:0013656, OMIM 614255.

Submission:

Labcorp Genetics (formerly Invitae), Labcorp
Classification: Uncertain significance for Hereditary spastic paraplegia 30; Neuropathy, hereditary sensory, type 2C; Intellectual disability, autosomal dominant 9. Last evaluated: 2025-02-11. Review status: criteria provided, single submitter. Criteria: Invitae Variant Classification Sherloc (09022015). Collection method: clinical testing. Allele origin: germline.
Comment: This sequence change replaces serine, which is neutral and polar, with phenylalanine, which is neutral and non-polar, at codon 290 of the KIF1A protein (p.Ser290Phe). This variant is not present in population databases (gnomAD no frequency). This variant has not been reported in the literature in individuals affected with KIF1A-related conditions. Invitae Evidence Modeling of protein sequence and biophysical properties (such as structural, functional, and spatial information, amino acid conservation, physicochemical variation, residue mobility, and thermodynamic stability) indicates that this missense variant is expected to disrupt KIF1A protein function with a positive predictive value of 95%. In summary, the available evidence is currently insufficient to determine the role of this variant in disease. Therefore, it has been classified as a Variant of Uncertain Significance.

NM_001244008.2(KIF1A):c.869C>T (p.Ser290Phe)

Gene: KIF1A (kinesin family member 1A; minus strand). Cytogenetic location: 2q37.3.
Variant type: single nucleotide variant.
Coding change: c.869C>T on transcript NM_001244008.2 (MANE Select); coding-DNA position 869, C replaced by T.
Protein change: p.Ser290Phe; replaces serine 290 with phenylalanine.
Molecular consequence: missense variant.
Genome position (GRCh38, 1-based): chr2:240,782,603, G>A on the plus strand (C>T on the coding strand, the complement: KIF1A is on the minus strand). VCF-style: chr2-240782603-G-A. GRCh37 (hg19) VCF-style: chr2-241722020-G-A.
Other names: c.869C>T, p.Ser290Phe (NM_001320705.2, NM_001330289.2, NM_001330290.2 and 20 more transcripts); short protein forms S290F.
Identifiers: ClinVar variation 3751149 (VCV003751149.2).